The following is an entry in ClinVar:

NM_000452.3(SLC10A2):c.919+316G>C

Gene: SLC10A2 (solute carrier family 10 member 2; minus strand). Cytogenetic location: 13q33.1.
Variant type: single nucleotide variant.
Coding change: c.919+316G>C on transcript NM_000452.3 (MANE Select); 316 bases into the intron after coding-DNA position 919, G replaced by C.
Molecular consequence: intron variant.
Genome position (GRCh38, 1-based): chr13:103,048,973, C>G on the plus strand (G>C on the coding strand, the complement: SLC10A2 is on the minus strand). VCF-style: chr13-103048973-C-G. GRCh37 (hg19) VCF-style: chr13-103701323-C-G.
Identifiers: ClinVar variation 3344307 (VCV003344307.1).
Genomic context (GRCh38, chr13:103,048,973, plus strand): 5'-ATTTATAAAGCATATCAAGACAATGTTTTGAAAAAGATCACCAAATCCTGAGTTCCTGGG[C>G]GAATGCCAGAAGGCGCACAATAAAATGGTCCCAACAGGTTCCTCTGCCTTCCTTATTACT-3'

ClinVar aggregate classification (germline): Uncertain significance (0 of 4 stars; one submission).

Conditions:
SLC10A2-related disorder. Also called: SLC10A2-related condition.

Submission:

PreventionGenetics, part of Exact Sciences
Classification: Uncertain significance for SLC10A2-related condition. Last evaluated: 2024-06-26. Review status: no assertion criteria provided. Collection method: clinical testing. Allele origin: germline.
Comment: The SLC10A2 c.919+316G>C variant is predicted to interfere with splicing. To our knowledge, this variant has not been reported in the literature or in a large population database, indicating this variant is rare. This variant is not predicted to alter splicing based on available splicing prediction software (SpliceAI, Jaganathan et al. 2019. PubMed ID: 30661751). However, the use of computer prediction software is not equivalent to functional evidence. At this time, the clinical significance of this variant is uncertain due to the absence of conclusive functional and genetic evidence.